The following is an entry in ClinVar:

ClinVar aggregate classification (germline): Conflicting classifications of pathogenicity. Review status: criteria provided, conflicting classifications (1 of 4 stars). 3 submissions from 3 submitters: Pathogenic (1); Likely pathogenic (1); Uncertain significance (1). Last evaluated 2026-07-30.

Conditions:
Cobblestone lissencephaly without muscular or ocular involvement. Also called: Lissencephaly 5; LEUKOENCEPHALOPATHY WITH VARIABLE CORTICAL BRAIN MALFORMATIONS AND/OR HYDROCEPHALUS. Identifiers: Orphanet 352682, MedGen C3554657, MONDO:0014077, OMIM 615191.
LAMB1-related disorder. Also called: LAMB1-related condition.

Allele frequency attached by ClinVar (database versions not stated): TOPMed below 0.00001; gnomAD exomes 0.00001; gnomAD 0.00002 and 0.00003.
gnomAD v4.1: 14 of 1,613,788 alleles (0.00087%); highest among the groups gnomAD compares: Admixed American, 0.0067%; no homozygotes.

Submissions (3):

PreventionGenetics, part of Exact Sciences
Classification: Likely pathogenic for LAMB1-related condition. Last evaluated: 2026-07-30. Review status: criteria provided, single submitter. Criteria: ACMG Guidelines, 2015. Collection method: clinical testing. Allele origin: germline.
Comment: The LAMB1 c.4648C>T variant is predicted to result in premature protein termination (p.Arg1550*). This variant has been reported as de novo in an individual with autism spectrum disorder (Table S1, Takata et al. 2018. PubMed ID: 29346770). This variant is reported in 0.0085% of alleles in individuals of Latino descent in gnomAD. Truncating variants upstream and downstream to c.4648C>T have been documented in autosomal recessive cystic leukoencephalopathy with cortical dysplasia or cobblestone cortical malformation (Tonduti et al. 2015. PubMed ID: 25925986; Järvelä et al. 2021. PubMed ID: 33710394). Taken together, this variant is interpreted as likely pathogenic for autosomal recessive LAMB1-associated disorders.

Labcorp Genetics (formerly Invitae), Labcorp
Classification: Pathogenic. Last evaluated: 2025-04-09. Review status: criteria provided, single submitter. Criteria: Invitae Variant Classification Sherloc (09022015). Collection method: clinical testing. Allele origin: germline.
Comment: This sequence change creates a premature translational stop signal (p.Arg1550*) in the LAMB1 gene. It is expected to result in an absent or disrupted protein product. Loss-of-function variants in LAMB1 are known to be pathogenic (PMID: 23472759, 25925986). This variant is present in population databases (no rsID available, gnomAD 0.009%). This variant has not been reported in the literature in individuals affected with LAMB1-related conditions. ClinVar contains an entry for this variant (Variation ID: 930970). Algorithms developed to predict the effect of sequence changes on RNA splicing suggest that this variant may disrupt the consensus splice site. For these reasons, this variant has been classified as Pathogenic.

Centre for Mendelian Genomics, University Medical Centre Ljubljana
Classification: Uncertain significance for Cobblestone lissencephaly without muscular or ocular involvement. Last evaluated: 2019-03-09. Review status: criteria provided, single submitter. Criteria: ACMG Guidelines, 2015. Collection method: clinical testing. Allele origin: unknown. Affected: yes.
Comment: This variant was classified as: Uncertain significance. The following ACMG criteria were applied in classifying this variant: PVS1,PM2.

Literature cited by the submitters: PubMed 23472759 (cited by Labcorp Genetics (formerly Invitae), Labcorp); PubMed 25925986 (cited by Labcorp Genetics (formerly Invitae), Labcorp).

NM_002291.3(LAMB1):c.4648C>T (p.Arg1550Ter)

Gene: LAMB1 (laminin subunit beta 1; minus strand). Cytogenetic location: 7q31.1.
Variant type: single nucleotide variant.
Coding change: c.4648C>T on transcript NM_002291.3 (MANE Select); coding-DNA position 4648, C replaced by T.
Protein change: p.Arg1550Ter; replaces arginine 1550 with a stop codon.
Molecular consequence: nonsense.
Genome position (GRCh38, 1-based): chr7:107,929,509, G>A on the plus strand (C>T on the coding strand, the complement: LAMB1 is on the minus strand). VCF-style: chr7-107929509-G-A. GRCh37 (hg19) VCF-style: chr7-107569954-G-A.
Other names: short protein forms R1550*.
Identifiers: ClinVar variation 930970 (VCV000930970.9), dbSNP rs1292231609, ClinGen allele CA368862975.
Genomic context (GRCh38, chr7:107,929,509, plus strand): 5'-TGGCAATGTCAGCAGCACTATGCTGAAGAATAACCTCTACTTGAGAAAGGCTTTCAACTC[G>A]TTCACGTATATCTTCTGTCAAGTTCTGTAACTGCTGTGGGGTGCTAGGCATCTCCATTTT-3'